The following is an entry in ClinVar:

NM_000152.5(GAA):c.1909C>A (p.Leu637Met)

Gene: GAA (alpha glucosidase; plus strand). Cytogenetic location: 17q25.3.
Variant type: single nucleotide variant.
Coding change: c.1909C>A on transcript NM_000152.5 (MANE Select); coding-DNA position 1909, C replaced by A.
Protein change: p.Leu637Met; replaces leucine 637 with methionine.
Molecular consequence: missense variant.
Genome position (GRCh38, 1-based): chr17:80,112,896, C>A. VCF-style: chr17-80112896-C-A. GRCh37 (hg19) VCF-style: chr17-78086695-C-A.
Other names: c.1909C>A, p.Leu637Met (NM_001079803.3, NM_001079804.3); short protein forms L637M.
Identifiers: ClinVar variation 969808 (VCV000969808.18), dbSNP rs763301606, ClinGen allele CA8815544.
Genomic context (GRCh38, chr17:80,112,896, plus strand): 5'-CTGCAGCAGCCTGAGGACCAGCCTGACTCTGCCCTCCCAGAAATCCTGCAGTTTAACCTG[C>A]TGGGGGTGCCTCTGGTCGGGGCCGACGTCTGCGGCTTCCTGGGCAACACCTCAGAGGAGC-3'
Protein context (NP_000143.2, residues 627-647): SVPEILQFNL[Leu637Met]GVPLVGADVC

ClinVar aggregate classification (germline): Conflicting classifications of pathogenicity. Review status: criteria provided, conflicting classifications (1 of 4 stars). 7 submissions from 7 submitters: Likely pathogenic (1); Uncertain significance (5). 1 of the submissions does not count toward it. Last evaluated 2026-07-01.

Conditions:
Glycogen storage disease, type II (IOPD). Also called: Glucosidase acid-1,4-alpha deficiency; Pompe Disease; CARDIOMEGALIA GLYCOGENICA DIFFUSA; GLYCOGENOSIS, GENERALIZED, CARDIAC FORM; GSD II; POMPE DISEASE, INFANTILE-ONSET. Identifiers: Orphanet 365, MedGen C0017921, MONDO:0009290, OMIM 232300.

Allele frequency attached by ClinVar (database versions not stated): gnomAD exomes 0.00002 and 0.00003; TOPMed 0.00002; ExAC 0.00003.
gnomAD v4.1: 9 of 1,610,100 alleles (0.00056%); highest among the groups gnomAD compares: Admixed American, 0.015%; no homozygotes.

Submissions (7):

Genomenon, Inc
Classification: Uncertain significance for Glycogen storage disease, type II. Last evaluated: 2026-07-01. Review status: criteria provided, single submitter. Criteria: Genomenon Sequence Variant Interpretation Standards - Updated. Collection method: curation. Allele origin: germline.
Comment: GAA p.Leu637Met (c.1909C>A) is a missense variant that changes the amino acid at codon 637 from Leucine to Methionine. This variant has been reported in the compound heterozygous and/or homozygous state in an individual without a confirmed diagnosis of Pompe disease (PMID:33202836;32802993). It is absent or not present at a significant frequency in gnomAD. In silico models predict that this variant is not damaging. In conclusion, we classify GAA p.Leu637Met (c.1909C>A) as a variant of uncertain significance.

Labcorp Genetics (formerly Invitae), Labcorp
Classification: Uncertain significance for Glycogen storage disease, type II. Last evaluated: 2024-08-04. Review status: criteria provided, single submitter. Criteria: Invitae Variant Classification Sherloc (09022015). Collection method: clinical testing. Allele origin: germline.
Comment: This sequence change replaces leucine, which is neutral and non-polar, with methionine, which is neutral and non-polar, at codon 637 of the GAA protein (p.Leu637Met). This variant is present in population databases (rs763301606, gnomAD 0.02%). This missense change has been observed in individual(s) with a positive newborn screening result for GAA-related disease (PMID: 33202836; Invitae). ClinVar contains an entry for this variant (Variation ID: 969808). Advanced modeling of protein sequence and biophysical properties (such as structural, functional, and spatial information, amino acid conservation, physicochemical variation, residue mobility, and thermodynamic stability) has been performed at Invitae for this missense variant, however the output from this modeling did not meet the statistical confidence thresholds required to predict the impact of this variant on GAA protein function. In summary, the available evidence is currently insufficient to determine the role of this variant in disease. Therefore, it has been classified as a Variant of Uncertain Significance.

Women's Health and Genetics/Laboratory Corporation of America, LabCorp
Classification: Uncertain significance. Last evaluated: 2024-06-11. Review status: criteria provided, single submitter. Criteria: LabCorp Variant Classification Summary - May 2015. Collection method: clinical testing. Allele origin: germline.
Comment: Variant summary: GAA c.1909C>A (p.Leu637Met) results in a conservative amino acid change located in the Glycoside hydrolase family 31, TIM barrel domain (IPR000322) of the encoded protein sequence. Three of five in-silico tools predict a damaging effect of the variant on protein function. The variant allele was found at a frequency of 2.9e-05 in 241580 control chromosomes (gnomAD). The available data on variant occurrences in the general population are insufficient to allow any conclusion about variant significance. c.1909C>A has been reported in the literature in individuals with positive newborn screening results for Glycogen Storage Disease, Type 2 (Pompe Disease), one of which also had a pseudodeficiency allele (Ficicioglu_2020, Sanders_2020). These data do not allow any conclusion about variant significance. To our knowledge, no experimental evidence demonstrating an impact on protein function has been reported. The following publications have been ascertained in the context of this evaluation (PMID: 33202836, 32802993). ClinVar contains an entry for this variant (Variation ID: 969808). Based on the evidence outlined above, the variant was classified as uncertain significance.

Baylor Genetics
Classification: Likely pathogenic for Glycogen storage disease, type II. Last evaluated: 2023-11-25. Review status: criteria provided, single submitter. Criteria: ACMG Guidelines, 2015. Collection method: clinical testing. Allele origin: unknown.

Revvity Omics, Revvity
Classification: Uncertain significance. Last evaluated: 2023-07-07. Review status: criteria provided, single submitter. Criteria: ACMG Guidelines, 2015. Collection method: clinical testing. Allele origin: germline.

Blueprint Genetics
Classification: Uncertain significance. Last evaluated: 2020-02-24. Review status: criteria provided, single submitter. Criteria: ACMG Guidelines, 2015. Collection method: clinical testing. Allele origin: germline.

Natera, Inc.
Classification: Uncertain significance for Glycogen storage disease type II. Last evaluated: 2021-02-25. Review status: no assertion criteria provided. Collection method: clinical testing. Allele origin: germline. Not counted in ClinVar's aggregate classification.

Literature cited by the submitters: PubMed 33202836 (cited by 3 submitters); PubMed 32802993 (cited by Genomenon, Inc and Women's Health and Genetics/Laboratory Corporation of America, LabCorp).